The following is an entry in ClinVar:

NM_000860.6(HPGD):c.551G>A (p.Gly184Asp)

Gene: HPGD (15-hydroxyprostaglandin dehydrogenase; minus strand). Cytogenetic location: 4q34.1.
Variant type: single nucleotide variant.
Coding change: c.551G>A on transcript NM_000860.6 (MANE Select); coding-DNA position 551, G replaced by A.
Protein change: p.Gly184Asp; replaces glycine 184 with aspartic acid.
Molecular consequence: missense variant. On other transcripts: intron variant (2).
Genome position (GRCh38, 1-based): chr4:174,493,262, C>T on the plus strand (G>A on the coding strand, the complement: HPGD is on the minus strand). VCF-style: chr4-174493262-C-T. GRCh37 (hg19) VCF-style: chr4-175414413-C-T.
Other names: c.188G>A, p.Gly63Asp (NM_001256301.1, NM_001256307.2); c.347G>A, p.Gly116Asp (NM_001256306.2); c.422-1168G>A (NM_001256305.2); c.499-1168G>A (NM_001145816.3); short protein forms G116D, G184D, G63D.
Identifiers: ClinVar variation 5018589 (VCV005018589.1).

ClinVar aggregate classification (germline): Likely pathogenic (1 of 4 stars; one submission).

Conditions:
Isolated congenital digital clubbing. Also called: ACROPACHY, HEREDITARY; CLUBBING OF DIGITS. Identifiers: Orphanet 217059, MedGen C0345408, MONDO:0007343, OMIM 119900.
Hypertrophic osteoarthropathy, primary, autosomal recessive, 1 (PHOAR1). Also called: PHO, AUTOSOMAL RECESSIVE. Identifiers: Orphanet 1525, Orphanet 2796, MedGen C4551679, MONDO:0024546, OMIM 259100.

gnomAD v4.1: 1 of 1,613,274 alleles (0.000062%); highest among the groups gnomAD compares: African/African-American, 0.0013%; no homozygotes.

Submission:

Juno Genomics, Hangzhou Juno Genomics, Inc
Classification: Likely pathogenic for Isolated congenital digital clubbing; Hypertrophic osteoarthropathy, primary, autosomal recessive, 1. Review status: criteria provided, single submitter. Criteria: ACMG Guidelines, 2015. Collection method: clinical testing. Allele origin: germline. Affected: yes.
Comment: Absent from controls (or at extremely low frequency if recessive) in Genome Aggregation Database.;Multiple lines of computational evidence support a deleterious effect on the gene or gene product.;For recessive disorders, detected in trans with a pathogenic variant.;Patient's phenotype or family history is highly specific for a disease with a single genetic etiology.